The following is an entry in ClinVar:

ClinVar aggregate classification (germline): Uncertain significance (1 of 4 stars; one submission).

Submission:

GeneDx
Classification: Uncertain significance. Last evaluated: 2025-02-13. Review status: criteria provided, single submitter. Criteria: GeneDx Variant Classification Process June 2021. Collection method: clinical testing. Allele origin: germline. Affected: yes.
Comment: In silico analysis supports that this missense variant does not alter protein structure/function; Has not been previously published as pathogenic or benign to our knowledge

NM_006517.5(SLC16A2):c.1174C>T (p.Leu392Phe)

Gene: SLC16A2 (solute carrier family 16 member 2; plus strand). Cytogenetic location: Xq13.2.
Variant type: single nucleotide variant.
Coding change: c.1174C>T on transcript NM_006517.5 (MANE Select); coding-DNA position 1174, C replaced by T.
Protein change: p.Leu392Phe; replaces leucine 392 with phenylalanine.
Molecular consequence: missense variant.
Genome position (GRCh38, 1-based): chrX:74,529,216, C>T. VCF-style: chrX-74529216-C-T. GRCh37 (hg19) VCF-style: chrX-73749051-C-T.
Other names: short protein forms L392F.
Identifiers: ClinVar variation 4075485 (VCV004075485.1).